The following is an entry in ClinVar:

ClinVar aggregate classification (germline): Pathogenic (1 of 4 stars; one submission).

Submission:

Labcorp Genetics (formerly Invitae), Labcorp
Classification: Pathogenic. Last evaluated: 2023-07-14. Review status: criteria provided, single submitter. Criteria: Invitae Variant Classification Sherloc (09022015). Collection method: clinical testing. Allele origin: germline.
Comment: For these reasons, this variant has been classified as Pathogenic. This variant has not been reported in the literature in individuals affected with SMARCB1-related conditions. This variant is not present in population databases (gnomAD no frequency). This sequence change creates a premature translational stop signal (p.Thr72Glnfs*13) in the SMARCB1 gene. It is expected to result in an absent or disrupted protein product. Loss-of-function variants in SMARCB1 are known to be pathogenic (PMID: 10521299, 21208904).

Literature cited by the submitters: PubMed 10521299; PubMed 21208904.

NM_003073.5(SMARCB1):c.214del (p.Thr72fs)

Gene: SMARCB1 (SWI/SNF related BAF chromatin remodeling complex subunit B1; plus strand). Cytogenetic location: 22q11.23.
Variant type: Deletion.
Coding change: c.214del on transcript NM_003073.5 (MANE Select); coding-DNA position 214, one base deleted (A; older notation c.214delA).
Protein change: p.Thr72fs; shifts the reading frame from threonine 72.
Molecular consequence: frameshift variant. On other transcripts: intron variant (2).
Genome position (GRCh38, 1-based): chr22:23,791,876, A deleted; the last of 7 consecutive A bases (chr22:23,791,870-23,791,876); deleting any one gives the same sequence. VCF-style (leftmost placement, unchanged base first): chr22-23791869-TA-T. GRCh37 (hg19) VCF-style: chr22-24134056-TA-T.
Other names: c.205+9del (NM_001317946.2, NM_001007468.3); c.214del, p.Thr72fs (NM_001362877.2); short protein forms T72fs.
Identifiers: ClinVar variation 2743181 (VCV002743181.3), dbSNP rs2517660810, ClinGen allele CA645606653.